The following is an entry in ClinVar:

NM_000501.4(ELN):c.1334C>A (p.Ala445Asp)

Gene: ELN (elastin; plus strand). Cytogenetic location: 7q11.23.
Variant type: single nucleotide variant.
Coding change: c.1334C>A on transcript NM_000501.4 (MANE Select); coding-DNA position 1334, C replaced by A.
Protein change: p.Ala445Asp; replaces alanine 445 with aspartic acid.
Molecular consequence: missense variant.
Genome position (GRCh38, 1-based): chr7:74,056,690, C>A. VCF-style: chr7-74056690-C-A. GRCh37 (hg19) VCF-style: chr7-73471020-C-A.
Other names: c.1304C>A, p.Ala435Asp (NM_001081752.3, NM_001278917.2); c.1349C>A, p.Ala450Asp (NM_001081753.3, NM_001081754.3); c.1334C>A, p.Ala445Asp (NM_001081755.3, NM_001278912.2, NM_001278915.2 and 1 more transcripts); c.1148C>A, p.Ala383Asp (NM_001278913.2); c.1319C>A, p.Ala440Asp (NM_001278914.2); c.1292C>A, p.Ala431Asp (NM_001278916.2); c.1124C>A, p.Ala375Asp (NM_001278918.2); short protein forms A375D, A383D, A431D, A435D, A440D, A445D, A450D.
Identifiers: ClinVar variation 3899431 (VCV003899431.1).

ClinVar aggregate classification (germline): Uncertain significance (1 of 4 stars; one submission).

gnomAD v4.1: 1 of 1,613,764 alleles (0.000062%); highest among the groups gnomAD compares: African/African-American, 0.0013%; no homozygotes.

Submission:

GeneDx
Classification: Uncertain significance. Last evaluated: 2024-11-17. Review status: criteria provided, single submitter. Criteria: GeneDx Variant Classification Process June 2021. Collection method: clinical testing. Allele origin: germline. Affected: yes.
Comment: Not observed at significant frequency in large population cohorts (gnomAD); In silico analysis supports that this missense variant has a deleterious effect on protein structure/function; Has not been previously published as pathogenic or benign to our knowledge